The following is an entry in ClinVar:

NM_000059.4(BRCA2):c.565G>T (p.Asp189Tyr)

Gene: BRCA2 (BRCA2 DNA repair associated; plus strand). Cytogenetic location: 13q13.1.
Variant type: single nucleotide variant.
Coding change: c.565G>T on transcript NM_000059.4 (MANE Select); coding-DNA position 565, G replaced by T.
Protein change: p.Asp189Tyr; replaces aspartic acid 189 with tyrosine.
Molecular consequence: missense variant.
Genome position (GRCh38, 1-based): chr13:32,326,547, G>T. VCF-style: chr13-32326547-G-T. GRCh37 (hg19) VCF-style: chr13-32900684-G-T.
Other names: short protein forms D189Y.
Identifiers: ClinVar variation 462384 (VCV000462384.26), dbSNP rs1555281067, ClinGen allele CA387757943.

ClinVar aggregate classification (germline): Conflicting classifications of pathogenicity. Review status: criteria provided, conflicting classifications (1 of 4 stars). 6 submissions from 6 submitters: Uncertain significance (5); Likely benign (1). Last evaluated 2025-09-18.

Conditions:
Hereditary cancer-predisposing syndrome. Also called: Hereditary neoplastic syndrome; Neoplastic Syndromes, Hereditary; Tumor predisposition; Hereditary Cancer Syndrome. Identifiers: Orphanet 140162, MedGen C0027672, MeSH D009386, MONDO:0015356.
Hereditary breast ovarian cancer syndrome. Also called: Hereditary breast and/or ovarian cancer syndrome; BRCA1- and BRCA2-Associated Hereditary Breast and Ovarian Cancer; Hereditary breast and ovarian cancer; Breast and ovarian cancer; Hereditary breast and ovarian cancer syndrome; Hereditary breast and ovarian cancer syndrome (HBOC). Identifiers: Orphanet 145, MedGen C0677776, MeSH D061325, MONDO:0003582. Disease mechanism: loss of function.
Breast-ovarian cancer, familial, susceptibility to, 2 (BROVCA2). Also called: BRCA2 Hereditary Breast and Ovarian Cancer. Identifiers: Orphanet 145, MedGen C2675520, MONDO:0012933, OMIM 612555. Disease mechanism: loss of function.

Submissions (6):

Ambry Genetics
Classification: Uncertain significance for Hereditary cancer-predisposing syndrome. Last evaluated: 2025-09-18. Review status: criteria provided, single submitter. Criteria: Ambry Variant Classification Scheme 2023. Collection method: clinical testing. Allele origin: germline.
Comment: The p.D189Y variant (also known as c.565G>T), located in coding exon 6 of the BRCA2 gene, results from a G to T substitution at nucleotide position 565. The aspartic acid at codon 189 is replaced by tyrosine, an amino acid with highly dissimilar properties. This amino acid position is highly conserved in available vertebrate species. In addition, the in silico prediction for this alteration is inconclusive. Based on the available evidence, the clinical significance of this variant remains unclear.

Center for Genomic Medicine, Rigshospitalet, Copenhagen University Hospital
Classification: Uncertain significance. Last evaluated: 2025-03-04. Review status: criteria provided, single submitter. Criteria: ACMG Guidelines, 2015. Collection method: clinical testing. Allele origin: germline.

Department of Clinical Genetics, Copenhagen University Hospital, Rigshospitalet
Classification: Likely benign for Breast-ovarian cancer, familial, susceptibility to, 2. Last evaluated: 2025-01-10. Review status: criteria provided, single submitter. Criteria: ACMG Guidelines, 2015. Collection method: clinical testing. Allele origin: germline.
Comment: The following ACMG criteria was used: BP1_Strong (In house splicing data show that the variant does not affect splicing)

Labcorp Genetics (formerly Invitae), Labcorp
Classification: Uncertain significance for Hereditary breast ovarian cancer syndrome. Last evaluated: 2024-12-23. Review status: criteria provided, single submitter. Criteria: Invitae Variant Classification Sherloc (09022015). Collection method: clinical testing. Allele origin: germline.
Comment: This sequence change replaces aspartic acid, which is acidic and polar, with tyrosine, which is neutral and polar, at codon 189 of the BRCA2 protein (p.Asp189Tyr). This variant is not present in population databases (gnomAD no frequency). This variant has not been reported in the literature in individuals affected with BRCA2-related conditions. ClinVar contains an entry for this variant (Variation ID: 462384). Invitae Evidence Modeling of protein sequence and biophysical properties (such as structural, functional, and spatial information, amino acid conservation, physicochemical variation, residue mobility, and thermodynamic stability) indicates that this missense variant is not expected to disrupt BRCA2 protein function with a negative predictive value of 95%. RNA analysis performed to evaluate the impact of this missense change on mRNA splicing indicates it does not significantly alter splicing (internal data). In summary, the available evidence is currently insufficient to determine the role of this variant in disease. Therefore, it has been classified as a Variant of Uncertain Significance.

Quest Diagnostics Nichols Institute San Juan Capistrano
Classification: Uncertain significance. Last evaluated: 2024-03-26. Review status: criteria provided, single submitter. Criteria: Quest Diagnostics criteria. Collection method: clinical testing. Allele origin: unknown.
Comment: The BRCA2 c.565G>T (p.Asp189Tyr) variant has been reported in the published literature in breast cancer cases in a large scale breast cancer association study (PMID: 33471991 (2021), see also LOVD). This variant has not been reported in large, multi-ethnic general populations (Genome Aggregation Database). Analysis of this variant using bioinformatics tools (i.e., MutationTaster and PolyPhen-2) for the prediction of the effect of amino acid changes on protein structure and function yielded conflicting predictions that this variant is benign or damaging. Based on the available information, we are unable to determine the clinical significance of this variant.

Mendelics
Classification: Uncertain significance for Hereditary breast and ovarian cancer syndrome. Last evaluated: 2018-07-02. Review status: criteria provided, single submitter. Criteria: Mendelics Assertion Criteria 2017. Collection method: clinical testing. Allele origin: unknown.

Literature cited by the submitters: PubMed 33471991 (cited by Quest Diagnostics Nichols Institute San Juan Capistrano).